The following is an entry in ClinVar:

ClinVar aggregate classification (germline): Uncertain significance (1 of 4 stars; one submission).

Conditions:
Immunodeficiency 67. Also called: Immunodeficiency due to interleukin-1 receptor-associated kinase-4 deficiency. Identifiers: Orphanet 70592, MedGen C1843256, MONDO:0011888, OMIM 607676.

Submission:

Labcorp Genetics (formerly Invitae), Labcorp
Classification: Uncertain significance for Immunodeficiency 67. Last evaluated: 2020-10-05. Review status: criteria provided, single submitter. Criteria: Invitae Variant Classification Sherloc (09022015). Collection method: clinical testing. Allele origin: germline.
Comment: This variant, c.255_260dup, results in the insertion of 2 amino acid(s) to the IRAK4 protein (p.Asp86_Leu87dup), but otherwise preserves the integrity of the reading frame. This variant is not present in population databases (ExAC no frequency). This variant has been observed in individual(s) with IRAK4 deficiency (PMID: 26698383). Experimental studies and prediction algorithms are not available or were not evaluated, and the functional significance of this variant is currently unknown. In summary, the available evidence is currently insufficient to determine the role of this variant in disease. Therefore, it has been classified as a Variant of Uncertain Significance.

Literature cited by the submitters: PubMed 26698383.

NM_016123.4(IRAK4):c.255_260dup (p.Asp86_Leu87dup)

Gene: IRAK4 (interleukin 1 receptor associated kinase 4; plus strand). Cytogenetic location: 12q12.
Variant type: Duplication.
Coding change: c.255_260dup on transcript NM_016123.4 (MANE Select); coding-DNA positions 255 to 260, 6 bases duplicated (GGATCT; older notation c.255_260dupGGATCT).
Protein change: p.Asp86_Leu87dup.
Molecular consequence: inframe insertion. On other transcripts: 5 prime UTR variant (4), intron variant (6).
Genome position (GRCh38, 1-based): chr12:43,771,313-43,771,318, GGATCT duplicated; duplicating any 6 consecutive bases within chr12:43,771,312-43,771,318 gives the same sequence; the c. name uses the placement nearest the transcript's 3' end. VCF-style (leftmost placement, unchanged base first): chr12-43771311-G-GTGGATC. GRCh37 (hg19) VCF-style: chr12-44165114-G-GTGGATC.
Other names: c.255_260dup, p.Asp86_Leu87dup (NM_001114182.3, NM_001351345.2); c.-118_-113dup (NM_001351339.2, NM_001351340.2, NM_001351341.2 and 1 more transcripts); c.-65-867_-65-862dup (NM_001351338.2, NM_001145256.2, NM_001145257.2 and 1 more transcripts); c.-216-867_-216-862dup (NM_001351343.2, NM_001351344.2).
Identifiers: ClinVar variation 1005469 (VCV001005469.9), dbSNP rs1450996169, ClinGen allele CA689037107.